The following is an entry in ClinVar:

NM_000784.4(CYP27A1):c.358C>T (p.Gln120Ter)

Gene: CYP27A1 (cytochrome P450 family 27 subfamily A member 1; plus strand). Cytogenetic location: 2q35.
Variant type: single nucleotide variant.
Coding change: c.358C>T on transcript NM_000784.4 (MANE Select); coding-DNA position 358, C replaced by T.
Protein change: p.Gln120Ter; replaces glutamine 120 with a stop codon.
Molecular consequence: nonsense.
Genome position (GRCh38, 1-based): chr2:218,809,679, C>T. VCF-style: chr2-218809679-C-T. GRCh37 (hg19) VCF-style: chr2-219674402-C-T.
Other names: short protein forms Q120*.
Identifiers: ClinVar variation 984200 (VCV000984200.8), dbSNP rs1943690848, ClinGen allele CA350583382.

ClinVar aggregate classification (germline): Pathogenic/Likely pathogenic. Review status: criteria provided, multiple submitters, no conflicts (2 of 4 stars). 2 submissions from 2 submitters: Pathogenic (1); Likely pathogenic (1). Last evaluated 2021-09-09.

Conditions:
Cholestanol storage disease (CTX). Also called: CEREBRAL CHOLESTERINOSIS; Cerebrotendinous Xanthomatosis; CTX: Cerebrotendinous xanthomatosis. Identifiers: Orphanet 909, MedGen C0238052, MONDO:0008948, OMIM 213700.

Submissions (2):

Labcorp Genetics (formerly Invitae), Labcorp
Classification: Pathogenic for Cholestanol storage disease. Last evaluated: 2021-09-09. Review status: criteria provided, single submitter. Criteria: Invitae Variant Classification Sherloc (09022015). Collection method: clinical testing. Allele origin: germline.
Comment: This sequence change creates a premature translational stop signal (p.Gln120*) in the CYP27A1 gene. It is expected to result in an absent or disrupted protein product. Loss-of-function variants in CYP27A1 are known to be pathogenic (PMID: 9392430, 10775536, 26937392). This variant is not present in population databases (ExAC no frequency). This variant has not been reported in the literature in individuals affected with CYP27A1-related conditions. ClinVar contains an entry for this variant (Variation ID: 984200). Algorithms developed to predict the effect of sequence changes on RNA splicing suggest that this variant may create or strengthen a splice site. For these reasons, this variant has been classified as Pathogenic.

Myriad Genetics, Inc.
Classification: Likely pathogenic for Cholestanol storage disease. Last evaluated: 2019-08-16. Review status: criteria provided, single submitter. Criteria: Myriad Women's Health Autosomal Recessive and X-Linked Classification Criteria (2019). Collection method: clinical testing. Allele origin: unknown.
Comment: NM_000784.3(CYP27A1):c.358C>T(Q120*) is expected to be pathogenic in the context of cerebrotendinous xanthomatosis. This variant is predicted to lead to an abnormal or absent protein product due to the creation of a premature termination codon in CYP27A1, a gene where loss-of-function variants are known to be pathogenic. Please note: this variant was assessed in the context of healthy population screening.

Literature cited by the submitters: PubMed 9392430 (cited by Labcorp Genetics (formerly Invitae), Labcorp); PubMed 10775536 (cited by Labcorp Genetics (formerly Invitae), Labcorp); PubMed 26937392 (cited by Labcorp Genetics (formerly Invitae), Labcorp).